The following is an entry in ClinVar:

NC_000017.10:g.(?_41197689)_(41209158_?)del

Gene: BRCA1 (BRCA1 DNA repair associated; minus strand). Cytogenetic location: 17q21.31.
Variant type: Deletion.
Identifiers: ClinVar variation 1069180 (VCV001069180.1).

ClinVar aggregate classification (germline): Pathogenic (1 of 4 stars; one submission).

Conditions:
Hereditary breast ovarian cancer syndrome. Also called: Breast and ovarian cancer; BRCA1- and BRCA2-Associated Hereditary Breast and Ovarian Cancer; Hereditary breast and ovarian cancer syndrome; Hereditary breast and/or ovarian cancer syndrome; Hereditary breast and ovarian cancer; Hereditary breast and ovarian cancer syndrome (HBOC). Identifiers: Orphanet 145, MedGen C0677776, MeSH D061325, MONDO:0003582. Disease mechanism: loss of function.

Submission:

Labcorp Genetics (formerly Invitae), Labcorp
Classification: Pathogenic for Hereditary breast ovarian cancer syndrome. Last evaluated: 2016-07-25. Review status: criteria provided, single submitter. Criteria: Invitae Variant Classification Sherloc (09022015). Collection method: clinical testing. Allele origin: germline.
Comment: This variant is a gross deletion of the genomic region encompassing exons 19-23 (aka exons 20-24) of the BRCA1 gene. The 5' boundary is likely confined to intron 18. The 3' end of this event is unknown as it extends through the termination codon beyond the assayed region for this gene and may encompass additional genes. While this deletion is not anticipated to result in nonsense mediated decay, it is expected to create a truncated BRCA1 protein. While this particular variant has not been reported in the literature, truncating variants in BRCA1 are known to be pathogenic (PMID: 20104584). This deletion is expected to partially remove the C-terminal BRCT domain of the BRCA1 protein, which is important for DNA repair activity (PMID: 14576433, 15133503). A different deleterious variant (p.Tyr1853*) within the deleted sequence of this variant has been shown to disrupt BRCA1 protein function (PMID: 8942979, 20681793, 10811118, 11256609, 17308087), suggesting that although this particular variant may not result in nonsense mediated decay, it is expected to affect BRCA1 protein function. For these reasons, this variant has been classified as Pathogenic.

Literature cited by the submitters: PubMed 20104584; PubMed 14576433; PubMed 15133503; PubMed 8942979; PubMed 20681793; PubMed 10811118; PubMed 11256609; PubMed 17308087.